The following is an entry in ClinVar:

NM_020632.3(ATP6V0A4):c.334C>T (p.Gln112Ter)

Gene: ATP6V0A4 (ATPase H+ transporting V0 subunit a4; minus strand). Cytogenetic location: 7q34.
Variant type: single nucleotide variant.
Coding change: c.334C>T on transcript NM_020632.3 (MANE Select); coding-DNA position 334, C replaced by T.
Protein change: p.Gln112Ter; replaces glutamine 112 with a stop codon.
Molecular consequence: nonsense.
Genome position (GRCh38, 1-based): chr7:138,762,983, G>A on the plus strand (C>T on the coding strand, the complement: ATP6V0A4 is on the minus strand). VCF-style: chr7-138762983-G-A. GRCh37 (hg19) VCF-style: chr7-138447728-G-A.
Other names: c.334C>T, p.Gln112Ter (NM_130840.3, NM_130841.3); short protein forms Q112*.
Identifiers: ClinVar variation 280715 (VCV000280715.2), dbSNP rs779869631, ClinGen allele CA4505156.
Genomic context (GRCh38, chr7:138,762,983, plus strand): 5'-TCAGGAGGTATTTCAGTTCTGTCAGTTCTAGGAAGCTTTGTTTCAAGGCCTGCTGGTTCT[G>A]GTTGGCTTCCTGTAACTCTCCTTCCAGTTTTTCTAGAACAGTCTATGCAGGAAGGAAAAA-3'

ClinVar aggregate classification (germline): Pathogenic (1 of 4 stars; one submission).

gnomAD v4.1: 2 of 1,613,978 alleles (0.00012%); highest among the groups gnomAD compares: Non-Finnish European, 0.00017%; no homozygotes.

Submission:

GeneDx
Classification: Pathogenic. Last evaluated: 2016-07-06. Review status: criteria provided, single submitter. Criteria: GeneDx Variant Classification (06012015). Collection method: clinical testing. Allele origin: germline. Affected: yes.
Comment: The Q112X pathogenic variant in the ATP6V0A4 gene has not been reported previously as a pathogenic variant nor as a benign variant, to our knowledge. This variant is predicted to cause loss of normal protein function either through protein truncation or nonsense-mediated mRNA decay. The Q112X variant was not observed in approximately 6,500 individuals of European and African American ancestry in the NHLBI Exome Sequencing Project, indicating it is not a common benign variant in these populations. We interpret Q112X as a pathogenic variant.